The following is an entry in ClinVar:

ClinVar aggregate classification (germline): Likely pathogenic (1 of 4 stars; one submission).

Conditions:
Mitochondrial DNA depletion syndrome 13. Also called: FBXL4-Related Encephalomyopathic Mitochondrial DNA Depletion Syndrome; Mitochondrial DNA depletion syndrome 13 (encephalomyopathic type). Identifiers: Orphanet 369897, MedGen C3809592, MONDO:0014198, OMIM 615471.

Allele frequency attached by ClinVar (database versions not stated): gnomAD exomes below 0.00001.
gnomAD v4.1: 1 of 1,600,120 alleles (0.000062%); highest among the groups gnomAD compares: Non-Finnish European, 0.000085%; no homozygotes.

Submission:

Wong Mito Lab, Molecular and Human Genetics, Baylor College of Medicine
Classification: Likely pathogenic for Mitochondrial DNA depletion syndrome 13. Last evaluated: 2017-08-10. Review status: criteria provided, single submitter. Criteria: ACMG Guidelines, 2015. Collection method: clinical testing. Allele origin: germline. Affected: yes.
Comment: The NM_012160.4:c.1838T>A (NP_036292.2:p.Val613Glu) [GRCH38: NC_000006.12:g.98874306A>T] variant in FBXL4 gene is interpretated to be a Likely Pathogenic based on ACMG guidelines (PMID: 25741868). This variant has been reported in PMID:27743463 . This variant meets one or more of the following evidence codes reported in the ACMG-guideline. PM2:This variant is absent in key population databases. PM3:Detected in trans with a pathogenic variant for Mitochondrial DNA depletion syndrome 13 which is a recessive disorder. PP2:This is a missense variant in FBXL4 with a low rate of benign and high rate of pathogenic missense variations. PP4:Patientâ€™s phenotype or family history is highly specific for FBXL4. PP5:Reputable source(s) suggest that the variant is pathogenic. Based on this evidence code ClinGen Pathogenicity Calculator (PMID:28081714) suggested that the variant is Likely Pathogenic.

Literature cited by the submitters: PubMed 27743463.

NM_001278716.2(FBXL4):c.1838T>A (p.Val613Glu)

Gene: FBXL4 (F-box and leucine rich repeat protein 4; minus strand). Cytogenetic location: 6q16.1.
Variant type: single nucleotide variant.
Coding change: c.1838T>A on transcript NM_001278716.2 (MANE Select); coding-DNA position 1838, T replaced by A.
Protein change: p.Val613Glu; replaces valine 613 with glutamic acid.
Molecular consequence: missense variant. On other transcripts: non-coding transcript variant (1).
Genome position (GRCh38, 1-based): chr6:98,874,306, A>T on the plus strand (T>A on the coding strand, the complement: FBXL4 is on the minus strand). VCF-style: chr6-98874306-A-T. GRCh37 (hg19) VCF-style: chr6-99322182-A-T.
Other names: c.1838T>A, p.Val613Glu (NM_012160.5); short protein forms V613E.
Identifiers: ClinVar variation 437487 (VCV000437487.1), dbSNP rs1554215766, ClinGen allele CA16020678.